The following is an entry in ClinVar:

NM_000744.7(CHRNA4):c.139G>A (p.Gly47Ser)

Gene: CHRNA4 (cholinergic receptor nicotinic alpha 4 subunit; minus strand). Cytogenetic location: 20q13.33.
Variant type: single nucleotide variant.
Coding change: c.139G>A on transcript NM_000744.7 (MANE Select); coding-DNA position 139, G replaced by A.
Protein change: p.Gly47Ser; replaces glycine 47 with serine.
Molecular consequence: missense variant. On other transcripts: 5 prime UTR variant (1), non-coding transcript variant (1).
Genome position (GRCh38, 1-based): chr20:63,359,637, C>T on the plus strand (G>A on the coding strand, the complement: CHRNA4 is on the minus strand). VCF-style: chr20-63359637-C-T. GRCh37 (hg19) VCF-style: chr20-61990989-C-T.
Other names: c.-408G>A (NM_001256573.2); short protein forms G47S.
Identifiers: ClinVar variation 2916825 (VCV002916825.3), dbSNP rs750423296, ClinGen allele CA9957964.

ClinVar aggregate classification (germline): Uncertain significance (1 of 4 stars; one submission).

Conditions:
Familial sleep-related hypermotor epilepsy. Also called: Autosomal Dominant Sleep-Related Hypermotor (Hyperkinetic) Epilepsy. Identifiers: Orphanet 98784, MedGen C3696898, MONDO:0000030.

Allele frequency attached by ClinVar (database versions not stated): gnomAD exomes 0.00001; TOPMed 0.00001; ExAC 0.00002; gnomAD 0.00002.
gnomAD v4.1: 18 of 1,612,620 alleles (0.0011%); highest among the groups gnomAD compares: Middle Eastern, 0.017%; no homozygotes.

Submission:

Labcorp Genetics (formerly Invitae), Labcorp
Classification: Uncertain significance. Last evaluated: 2024-09-10. Review status: criteria provided, single submitter. Criteria: Invitae Variant Classification Sherloc (09022015). Collection method: clinical testing. Allele origin: germline.
Comment: This sequence change replaces glycine, which is neutral and non-polar, with serine, which is neutral and polar, at codon 47 of the CHRNA4 protein (p.Gly47Ser). This variant is present in population databases (rs750423296, gnomAD 0.003%). This variant has not been reported in the literature in individuals affected with CHRNA4-related conditions. Invitae Evidence Modeling of protein sequence and biophysical properties (such as structural, functional, and spatial information, amino acid conservation, physicochemical variation, residue mobility, and thermodynamic stability) indicates that this missense variant is not expected to disrupt CHRNA4 protein function with a negative predictive value of 80%. In summary, the available evidence is currently insufficient to determine the role of this variant in disease. Therefore, it has been classified as a Variant of Uncertain Significance.